The following is an entry in ClinVar:

NM_000038.6(APC):c.356C>G (p.Pro119Arg)

Gene: APC (APC regulator of Wnt signaling pathway; plus strand). Cytogenetic location: 5q22.2.
Variant type: single nucleotide variant.
Coding change: c.356C>G on transcript NM_000038.6 (MANE Select); coding-DNA position 356, C replaced by G.
Protein change: p.Pro119Arg; replaces proline 119 with arginine.
Molecular consequence: missense variant. On other transcripts: 5 prime UTR variant (4), non-coding transcript variant (2).
Genome position (GRCh38, 1-based): chr5:112,767,324, C>G. VCF-style: chr5-112767324-C-G. GRCh37 (hg19) VCF-style: chr5-112103021-C-G.
Other names: c.386C>G, p.Pro129Arg (NM_001407446.1, NM_001127511.3, NM_001354897.2 and 1 more transcripts); c.356C>G, p.Pro119Arg (NM_001407447.1, NM_001407448.1, NM_001407449.1 and 16 more transcripts); c.281C>G, p.Pro94Arg (NM_001407451.1, NM_001354898.2, NM_001354904.2); c.179C>G, p.Pro60Arg (NM_001407453.1, NM_001354900.2, NM_001354901.2 and 1 more transcripts); c.-680C>G (NM_001407470.1, NM_001407471.1, NM_001407472.1 and 1 more transcripts); short protein forms P119R, P129R, P60R, P94R.
Identifiers: ClinVar variation 4801434 (VCV004801434.1).

ClinVar aggregate classification (germline): Uncertain significance (1 of 4 stars; one submission).

Conditions:
Familial adenomatous polyposis 1 (FAP1). Also called: FAMILIAL ADENOMATOUS POLYPOSIS 1, ATTENUATED; POLYPOSIS, ADENOMATOUS INTESTINAL. Identifiers: MedGen C2713442, MONDO:0021056, OMIM 175100. Disease mechanism: loss of function.

Submission:

Labcorp Genetics (formerly Invitae), Labcorp
Classification: Uncertain significance for Familial adenomatous polyposis 1. Last evaluated: 2025-04-08. Review status: criteria provided, single submitter. Criteria: Invitae Variant Classification Sherloc (09022015). Collection method: clinical testing. Allele origin: germline.
Comment: This sequence change replaces proline, which is neutral and non-polar, with arginine, which is basic and polar, at codon 119 of the APC protein (p.Pro119Arg). This variant is not present in population databases (gnomAD no frequency). This variant has not been reported in the literature in individuals affected with APC-related conditions. Invitae Evidence Modeling of protein sequence and biophysical properties (such as structural, functional, and spatial information, amino acid conservation, physicochemical variation, residue mobility, and thermodynamic stability) indicates that this missense variant is not expected to disrupt APC protein function with a negative predictive value of 95%. In summary, the available evidence is currently insufficient to determine the role of this variant in disease. Therefore, it has been classified as a Variant of Uncertain Significance.